The following is an entry in ClinVar:

ClinVar aggregate classification (germline): Uncertain significance. Review status: criteria provided, multiple submitters, no conflicts (2 of 4 stars). 3 submissions from 3 submitters: Uncertain significance (3). Last evaluated 2024-09-29.

Conditions:
Inborn genetic diseases. Identifiers: MedGen C0950123, MeSH D030342.

gnomAD v4.1: 48 of 1,613,832 alleles (0.003%); highest among the groups gnomAD compares: Admixed American, 0.0067%; no homozygotes.

Submissions (3):

Labcorp Genetics (formerly Invitae), Labcorp
Classification: Uncertain significance. Last evaluated: 2024-09-29. Review status: criteria provided, single submitter. Criteria: Invitae Variant Classification Sherloc (09022015). Collection method: clinical testing. Allele origin: germline.
Comment: This sequence change replaces arginine, which is basic and polar, with glycine, which is neutral and non-polar, at codon 339 of the DNAJC21 protein (p.Arg339Gly). This variant is present in population databases (rs368712421, gnomAD 0.006%). This variant has not been reported in the literature in individuals affected with DNAJC21-related conditions. ClinVar contains an entry for this variant (Variation ID: 2083680). An algorithm developed to predict the effect of missense changes on protein structure and function (PolyPhen-2) suggests that this variant is likely to be disruptive. In summary, the available evidence is currently insufficient to determine the role of this variant in disease. Therefore, it has been classified as a Variant of Uncertain Significance.

Blueprint Genetics
Classification: Uncertain significance. Last evaluated: 2024-08-22. Review status: criteria provided, single submitter. Criteria: ACMG Guidelines, 2015. Collection method: clinical testing. Allele origin: germline.

Ambry Genetics
Classification: Uncertain significance for Inborn genetic diseases. Last evaluated: 2021-12-06. Review status: criteria provided, single submitter. Criteria: Ambry Variant Classification Scheme 2023. Collection method: clinical testing. Allele origin: germline.

NM_001012339.3(DNAJC21):c.1015C>G (p.Arg339Gly)

Gene: DNAJC21 (DnaJ heat shock protein family (Hsp40) member C21; plus strand). Cytogenetic location: 5p13.2.
Variant type: single nucleotide variant.
Coding change: c.1015C>G on transcript NM_001012339.3 (MANE Select); coding-DNA position 1015, C replaced by G.
Protein change: p.Arg339Gly; replaces arginine 339 with glycine.
Molecular consequence: missense variant.
Genome position (GRCh38, 1-based): chr5:34,944,898, C>G. VCF-style: chr5-34944898-C-G. GRCh37 (hg19) VCF-style: chr5-34945003-C-G.
Other names: c.1015C>G, p.Arg339Gly (NM_001348420.2, NM_194283.4); short protein forms R339G.
Identifiers: ClinVar variation 2083680 (VCV002083680.4), dbSNP rs368712421, ClinGen allele CA3228679.